The following is an entry in ClinVar:

ClinVar aggregate classification (germline): Uncertain significance. Review status: criteria provided, multiple submitters, no conflicts (2 of 4 stars). 3 submissions from 3 submitters: Uncertain significance (3). Last evaluated 2021-11-22.

Conditions:
Hereditary cancer-predisposing syndrome. Also called: Tumor predisposition; Neoplastic Syndromes, Hereditary; Hereditary Cancer Syndrome; Hereditary neoplastic syndrome. Identifiers: Orphanet 140162, MedGen C0027672, MeSH D009386, MONDO:0015356.

Allele frequency attached by ClinVar (database versions not stated): gnomAD exomes below 0.00001.
gnomAD v4.1: 1 of 1,613,784 alleles (0.000062%); highest among the groups gnomAD compares: Non-Finnish European, 0.000085%; no homozygotes.

Submissions (3):

Ambry Genetics
Classification: Uncertain significance for Hereditary cancer-predisposing syndrome. Last evaluated: 2021-11-22. Review status: criteria provided, single submitter. Criteria: Ambry Variant Classification Scheme 2023. Collection method: clinical testing. Allele origin: germline.
Comment: The p.E2141A variant (also known as c.6422A>C), located in coding exon 46 of the POLE gene, results from an A to C substitution at nucleotide position 6422. The glutamic acid at codon 2141 is replaced by alanine, an amino acid with dissimilar properties. This amino acid position is conserved. In addition, this alteration is predicted to be tolerated by in silico analysis. Since supporting evidence is limited at this time, the clinical significance of this alteration remains unclear.

Labcorp Genetics (formerly Invitae), Labcorp
Classification: Uncertain significance. Last evaluated: 2021-04-06. Review status: criteria provided, single submitter. Criteria: Invitae Variant Classification Sherloc (09022015). Collection method: clinical testing. Allele origin: germline.
Comment: This sequence change replaces glutamic acid with alanine at codon 2141 of the POLE protein (p.Glu2141Ala). The glutamic acid residue is weakly conserved and there is a moderate physicochemical difference between glutamic acid and alanine. This variant is not present in population databases (ExAC no frequency). In summary, the available evidence is currently insufficient to determine the role of this variant in disease. Therefore, it has been classified as a Variant of Uncertain Significance. Algorithms developed to predict the effect of missense changes on protein structure and function (SIFT, PolyPhen-2, Align-GVGD) all suggest that this variant is likely to be tolerated, but these predictions have not been confirmed by published functional studies and their clinical significance is uncertain. This variant has not been reported in the literature in individuals with POLE-related conditions.

GeneDx
Classification: Uncertain significance. Last evaluated: 2019-08-15. Review status: criteria provided, single submitter. Criteria: GeneDx Variant Classification Process June 2021. Collection method: clinical testing. Allele origin: germline. Affected: yes.
Comment: Not observed at a significant frequency in large population cohorts (Lek et al., 2016); In silico analysis, which includes protein predictors and evolutionary conservation, supports a deleterious effect; Has not been previously published as pathogenic or benign to our knowledge

NM_006231.4(POLE):c.6422A>C (p.Glu2141Ala)

Gene: POLE (DNA polymerase epsilon, catalytic subunit; minus strand). Cytogenetic location: 12q24.33.
Variant type: single nucleotide variant.
Coding change: c.6422A>C on transcript NM_006231.4 (MANE Select); coding-DNA position 6422, A replaced by C.
Protein change: p.Glu2141Ala; replaces glutamic acid 2141 with alanine.
Molecular consequence: missense variant.
Genome position (GRCh38, 1-based): chr12:132,626,226, T>G on the plus strand (A>C on the coding strand, the complement: POLE is on the minus strand). VCF-style: chr12-132626226-T-G. GRCh37 (hg19) VCF-style: chr12-133202812-T-G.
Other names: short protein forms E2141A.
Identifiers: ClinVar variation 1308048 (VCV001308048.11), dbSNP rs1471291660, ClinGen allele CA387367612.